The following is an entry in ClinVar:

ClinVar aggregate classification (germline): Uncertain significance (1 of 4 stars; one submission).

Conditions:
ERCC2-related disorder. Also called: ERCC2-related conditions; ERCC2-related condition; ERCC2-related disorders. Identifiers: MedGen CN239291.

Submission:

Myriad Genetics, Inc.
Classification: Uncertain significance for ERCC2-related disorder. Last evaluated: 2026-04-15. Review status: criteria provided, single submitter. Criteria: Myriad Autosomal Dominant, Autosomal Recessive and X-Linked Classification Criteria (2023). Collection method: clinical testing. Allele origin: unknown.
Comment: NM_000400.3(ERCC2):c.1445_1447delCCA(T482del) is an in-frame deletion classified as a variant of uncertain significance in the context of ERCC2-related disorders. T482del has been observed in cases with relevant disease (PMID: 32802388, 9758621). Relevant functional assessments of this variant are not available in the literature. T482del has not been observed in referenced population frequency databases. In summary, there is insufficient evidence to classify NM_000400.3(ERCC2):c.1445_1447delCCA(T482del) as pathogenic or benign. Please note: this variant was assessed in the context of healthy population screening.

Literature cited by the submitters: PubMed 32802388; PubMed 9758621.

NM_000400.4(ERCC2):c.1445_1447del (p.Thr482del)

Gene: ERCC2 (ERCC excision repair 2, TFIIH core complex helicase subunit; minus strand). Cytogenetic location: 19q13.32.
Variant type: Deletion.
Coding change: c.1445_1447del on transcript NM_000400.4 (MANE Select); coding-DNA positions 1445 to 1447, 3 bases deleted (CCA; older notation c.1445_1447delCCA).
Protein change: p.Thr482del; deletes threonine 482.
Molecular consequence: inframe deletion. On other transcripts: non-coding transcript variant (3).
Genome position (GRCh38, 1-based): chr19:45,357,302-45,357,304, TGG deleted on the plus strand (CCA on the coding strand, the reverse complement: ERCC2 is on the minus strand); deleting any 3 consecutive bases within chr19:45,357,302-45,357,306 gives the same sequence; the c. name uses the placement nearest the transcript's 3' end. VCF-style (leftmost placement, unchanged base first): chr19-45357301-ATGG-A. GRCh37 (hg19) VCF-style: chr19-45860559-ATGG-A.
Other names: c.1373_1375del, p.Thr458del (NM_001440355.1); c.1367_1369del, p.Thr456del (NM_001440356.1); c.1322_1324del, p.Thr441del (NM_001440357.1); short protein forms T458del, T482del, T456del, T441del.
Identifiers: ClinVar variation 5004605 (VCV005004605.1).
Genomic context (GRCh38, chr19:45,357,301, plus strand): 5'-CGGCCCCAGCCCTAGCCTCTCCCACTCACCATAGGGCAGAGGCAGACCCGTGCCAGCGTC[ATGG>A]TGAAGGTTGCCATGGTGACGGGGTGGAAGTCCAGGATCTTGGGGTAGATGTCCAGCGGGG-3'